The following is an entry in ClinVar:

ClinVar aggregate classification (germline): Uncertain significance. Review status: criteria provided, multiple submitters, no conflicts (2 of 4 stars). 5 submissions from 5 submitters: Uncertain significance (5). Last evaluated 2026-04-30.

Conditions:
Catecholaminergic polymorphic ventricular tachycardia 1. Also called: VENTRICULAR TACHYCARDIA, CATECHOLAMINERGIC POLYMORPHIC, 1, WITH OR WITHOUT ATRIAL DYSFUNCTION AND/OR DILATED CARDIOMYOPATHY; RYR2-Related Catecholaminergic Polymorphic Ventricular Tachycardia; VENTRICULAR TACHYCARDIA, STRESS-INDUCED POLYMORPHIC 1. Identifiers: Orphanet 3286, MedGen C1631597, MONDO:0011484, OMIM 604772.
Cardiovascular phenotype. Identifiers: MedGen CN230736.
Catecholaminergic polymorphic ventricular tachycardia (CVPT). Also called: Catecholamine-induced polymorphic ventricular tachycardia. Identifiers: Orphanet 3286, MedGen C5574922, MONDO:0017990.
Cardiomyopathy (CMYO). Also called: Cardiomyopathies. Identifiers: Orphanet 167848, MedGen C0878544, MONDO:0004994, HP:0001638. Inheritance: Various modes of inheritance.

Allele frequency attached by ClinVar (database versions not stated): gnomAD exomes 0.00001; gnomAD 0.00001.
gnomAD v4.1: 5 of 1,612,962 alleles (0.00031%); highest among the groups gnomAD compares: Admixed American, 0.0033%; no homozygotes.

Submissions (5):

Ambry Genetics
Classification: Uncertain significance for Cardiovascular phenotype. Last evaluated: 2026-04-30. Review status: criteria provided, single submitter. Criteria: Ambry Variant Classification Scheme 2023. Collection method: clinical testing. Allele origin: germline.
Comment: The p.K1983N variant (also known as c.5949A>C), located in coding exon 39 of the RYR2 gene, results from an A to C substitution at nucleotide position 5949. The lysine at codon 1983 is replaced by asparagine, an amino acid with similar properties. This amino acid position is conserved. In addition, this alteration is predicted to be tolerated by in silico analysis. Based on the available evidence, the clinical significance of this variant remains unclear.

GeneDx
Classification: Uncertain significance. Last evaluated: 2025-07-15. Review status: criteria provided, single submitter. Criteria: GeneDx Variant Classification Process June 2021. Collection method: clinical testing. Allele origin: germline. Affected: yes.
Comment: Not observed at significant frequency in large population cohorts (gnomAD); In silico analysis suggests that this missense variant does not alter protein structure/function; Has not been previously published as pathogenic or benign to our knowledge; Not located in one of the three hot-spot regions of the RYR2 gene, where the majority of pathogenic missense variants occur (PMID: 19926015); This variant is associated with the following publications: (PMID: 19926015)

Labcorp Genetics (formerly Invitae), Labcorp
Classification: Uncertain significance for Catecholaminergic polymorphic ventricular tachycardia 1. Last evaluated: 2025-05-05. Review status: criteria provided, single submitter. Criteria: Invitae Variant Classification Sherloc (09022015). Collection method: clinical testing. Allele origin: germline.
Comment: This sequence change replaces lysine, which is basic and polar, with asparagine, which is neutral and polar, at codon 1983 of the RYR2 protein (p.Lys1983Asn). This variant is not present in population databases (gnomAD no frequency). This variant has not been reported in the literature in individuals affected with RYR2-related conditions. ClinVar contains an entry for this variant (Variation ID: 1171998). Invitae Evidence Modeling of protein sequence and biophysical properties (such as structural, functional, and spatial information, amino acid conservation, physicochemical variation, residue mobility, and thermodynamic stability) indicates that this missense variant is not expected to disrupt RYR2 protein function with a negative predictive value of 95%. In summary, the available evidence is currently insufficient to determine the role of this variant in disease. Therefore, it has been classified as a Variant of Uncertain Significance.

Color Diagnostics, LLC DBA Color Health
Classification: Uncertain significance for Cardiomyopathy. Last evaluated: 2024-03-06. Review status: criteria provided, single submitter. Criteria: ACMG Guidelines, 2015. Collection method: clinical testing. Allele origin: germline.
Comment: This missense variant replaces lysine with asparagine at codon 1983 of the RYR2 protein. Computational prediction suggests that this variant may not impact protein structure and function (internally defined REVEL score threshold <= 0.5, PMID: 27666373). To our knowledge, functional studies have not been reported for this variant. This variant has not been reported in individuals affected with RYR2-related disorders in the literature. This variant has not been identified in the general population by the Genome Aggregation Database (gnomAD). The available evidence is insufficient to determine the role of this variant in disease conclusively. Therefore, this variant is classified as a Variant of Uncertain Significance.

All of Us Research Program, National Institutes of Health
Classification: Uncertain significance for Catecholaminergic polymorphic ventricular tachycardia. Last evaluated: 2024-01-11. Review status: criteria provided, single submitter. Criteria: ACMG Guidelines, 2015. Collection method: clinical testing. Allele origin: germline. Inheritance: Autosomal dominant inheritance. Observed: 2 variant alleles, 2 heterozygotes.
Comment: This missense variant replaces lysine with asparagine at codon 1983 of the RYR2 protein. Computational prediction suggests that this variant may not impact protein structure and function (internally defined REVEL score threshold <= 0.5, PMID: 27666373). To our knowledge, functional studies have not been reported for this variant. This variant has not been reported in individuals affected with cardiovascular disorders in the literature. This variant has not been identified in the general population by the Genome Aggregation Database (gnomAD). The available evidence is insufficient to determine the role of this variant in disease conclusively. Therefore, this variant is classified as a Variant of Uncertain Significance.

This study involves interpretation of variants in research participants for the purpose of population health screening. Participant phenotype was not available at the time of variant classification. Additional details can be found in publication PMID: 35346344, PMCID: PMC8962531

NM_001035.3(RYR2):c.5949A>C (p.Lys1983Asn)

Gene: RYR2 (ryanodine receptor 2; plus strand). Cytogenetic location: 1q43.
Variant type: single nucleotide variant.
Coding change: c.5949A>C on transcript NM_001035.3 (MANE Select); coding-DNA position 5949, A replaced by C.
Protein change: p.Lys1983Asn; replaces lysine 1983 with asparagine.
Molecular consequence: missense variant.
Genome position (GRCh38, 1-based): chr1:237,623,797, A>C. VCF-style: chr1-237623797-A-C. GRCh37 (hg19) VCF-style: chr1-237787097-A-C.
Other names: c.5949A>C (NM_001035.2); short protein forms K1983N.
Identifiers: ClinVar variation 1171998 (VCV001171998.14), dbSNP rs1181887323, ClinGen allele CA345408150.